The following is an entry in ClinVar:

NM_006440.5(TXNRD2):c.1434_1445+62dup

Gene: TXNRD2 (thioredoxin reductase 2; minus strand). Cytogenetic location: 22q11.21.
Variant type: Duplication.
Coding change: c.1434_1445+62dup on transcript NM_006440.5 (MANE Select); coding-DNA position 1434 through 62 bases into the intron after coding-DNA position 1445, 74 bases duplicated.
Molecular consequence: splice donor variant.
Genome position (GRCh38, 1-based): chr22:19,878,028-19,878,101, 74 bases duplicated. GRCh37 (hg19): chr22:19,865,553-19,865,626.
Other names: c.1431_1442+62dup (NM_001352300.2); c.1146_1157+62dup (NM_001352302.2); c.1344_1355+62dup (NM_001352301.2).
Identifiers: ClinVar variation 4723514 (VCV004723514.1).

ClinVar aggregate classification (germline): Uncertain significance (1 of 4 stars; one submission).

Conditions:
Primary dilated cardiomyopathy (DCM). Also called: Dilated Cardiomyopathy. Identifiers: Orphanet 217604, MedGen C0007193, MeSH D002311, MONDO:0005021, HP:0001644. Inheritance: Various modes of inheritance.

Submission:

Labcorp Genetics (formerly Invitae), Labcorp
Classification: Uncertain significance for Primary dilated cardiomyopathy. Last evaluated: 2025-07-20. Review status: criteria provided, single submitter. Criteria: Invitae Variant Classification Sherloc (09022015). Collection method: clinical testing. Allele origin: germline.
Comment: This sequence change falls in intron 16 of the TXNRD2 gene. It does not directly change the encoded amino acid sequence of the TXNRD2 protein. This variant is not present in population databases (gnomAD no frequency). This variant has not been reported in the literature in individuals affected with TXNRD2-related conditions. Experimental studies and prediction algorithms are not available or were not evaluated, and the effect of this variant on mRNA splicing is currently unknown. In summary, the available evidence is currently insufficient to determine the role of this variant in disease. Therefore, it has been classified as a Variant of Uncertain Significance.